The following is an entry in ClinVar:

NM_001853.4(COL9A3):c.1474C>T (p.Pro492Ser)

Genes: COL9A3 (collagen type IX alpha 3 chain; plus strand), LOC126863084 (MED14-independent group 3 enhancer GRCh37_chr20:61467141-61468340; plus strand). Cytogenetic location: 20q13.33.
Variant type: single nucleotide variant.
Coding change: c.1474C>T on transcript NM_001853.4 (MANE Select); coding-DNA position 1474, C replaced by T.
Protein change: p.Pro492Ser; replaces proline 492 with serine.
Molecular consequence: missense variant.
Genome position (GRCh38, 1-based): chr20:62,836,259, C>T. VCF-style: chr20-62836259-C-T. GRCh37 (hg19) VCF-style: chr20-61467611-C-T.
Other names: short protein forms P492S.
Identifiers: ClinVar variation 3673814 (VCV003673814.2).
Genomic context (GRCh38, chr20:62,836,259, plus strand): 5'-GGGGAGCTGGGCCCCAAAGGCACCCAGGGTCCCAACGGCACCAGCGGTGTTCAGGGTGTC[C>T]CCGGGCCCCCCGGTCCTCTGGGCCTGCAGGGCGTCCCGGGTGTTCCTGGCATCACGGGGA-3'
Protein context (NP_001844.3, residues 482-502): PNGTSGVQGV[Pro492Ser]GPPGPLGLQG

ClinVar aggregate classification (germline): Uncertain significance (1 of 4 stars; one submission).

gnomAD v4.1: 3 of 1,613,640 alleles (0.00019%); highest among the groups gnomAD compares: East Asian, 0.0022%; no homozygotes.

Submission:

Labcorp Genetics (formerly Invitae), Labcorp
Classification: Uncertain significance. Last evaluated: 2024-12-23. Review status: criteria provided, single submitter. Criteria: Invitae Variant Classification Sherloc (09022015). Collection method: clinical testing. Allele origin: germline.
Comment: This sequence change replaces proline, which is neutral and non-polar, with serine, which is neutral and polar, at codon 492 of the COL9A3 protein (p.Pro492Ser). This variant is not present in population databases (gnomAD no frequency). This variant has not been reported in the literature in individuals affected with COL9A3-related conditions. Invitae Evidence Modeling of protein sequence and biophysical properties (such as structural, functional, and spatial information, amino acid conservation, physicochemical variation, residue mobility, and thermodynamic stability) indicates that this missense variant is not expected to disrupt COL9A3 protein function with a negative predictive value of 95%. In summary, the available evidence is currently insufficient to determine the role of this variant in disease. Therefore, it has been classified as a Variant of Uncertain Significance.